The following is an entry in ClinVar:

GRCh38/hg38 2q24.1-24.3(chr2:158382388-166605758)x1

Genes: BAZ2B (bromodomain adjacent to zinc finger domain 2B; minus strand), BAZ2B-AS1 (BAZ2B antisense RNA 1; plus strand), CCDC148 (coiled-coil domain containing 148; minus strand), CD302 (CD302 molecule; minus strand), COBLL1 (cordon-bleu WH2 repeat protein like 1; minus strand) and 194 more. Cytogenetic location: 2q24.1-24.3.
Variant type: copy number loss.
Change: copy number 1 (one copy instead of two) of chr2:158,382,388-166,605,758 (8.22 Mb, GRCh38 coordinates, 1-based), cytogenetic band 2q24.1-24.3.
Identifiers: ClinVar variation 57318 (VCV000057318.1).

ClinVar aggregate classification (germline): Pathogenic (1 of 4 stars; one submission).

Submission:

ISCA site 4
Classification: Pathogenic. Last evaluated: 2011-08-12. Review status: criteria provided, single submitter. Criteria: Kaminsky et al. (Genet Med. 2011). Collection method: clinical testing. Allele origin: unknown. Affected: yes. Observed: 1 variant allele.
Comment: Copy number variation identified through the course of routine clinical cytogenomic testing in postnatal populations. Clinical assertions have been curated as described in Kaminsky et al. 2011.